The following is an entry in ClinVar:

NM_145725.3(TRAF3):c.386T>C (p.Met129Thr)

Gene: TRAF3 (TNF receptor associated factor 3; plus strand). Cytogenetic location: 14q32.32.
Variant type: single nucleotide variant.
Coding change: c.386T>C on transcript NM_145725.3 (MANE Select); coding-DNA position 386, T replaced by C.
Protein change: p.Met129Thr; replaces methionine 129 with threonine.
Molecular consequence: missense variant.
Genome position (GRCh38, 1-based): chr14:102,875,712, T>C. VCF-style: chr14-102875712-T-C. GRCh37 (hg19) VCF-style: chr14-103342049-T-C.
Other names: c.386T>C, p.Met129Thr (NM_001199427.2, NM_001385142.1, NM_001385143.1 and 2 more transcripts); short protein forms M129T.
Identifiers: ClinVar variation 1168583 (VCV001168583.13), dbSNP rs1131877, ClinGen allele CA7359237.

ClinVar aggregate classification (germline): Benign. Review status: criteria provided, multiple submitters, no conflicts (2 of 4 stars). 4 submissions from 4 submitters: Benign (4). Last evaluated 2026-02-04.

Conditions:
Immunodeficiency 132A. Also called: Herpes simplex encephalitis, susceptibility to, 3. Identifiers: Orphanet 1930, MedGen C3553868, MONDO:0013920, OMIM 614849.

Allele frequency attached by ClinVar (database versions not stated): ESP Exome Variant Server 0.43080; TOPMed 0.45632; gnomAD exomes 0.25397 and 0.31534; ExAC 0.31555; 1000 Genomes Project 0.46985; 1000 Genomes Project 30x 0.47814; gnomAD 0.42503 and 0.43864.

Submissions (4):

Labcorp Genetics (formerly Invitae), Labcorp
Classification: Benign for Immunodeficiency 132A. Last evaluated: 2026-02-04. Review status: criteria provided, single submitter. Criteria: Invitae Variant Classification Sherloc (09022015). Collection method: clinical testing. Allele origin: germline.

Center for Genomic Medicine, Rigshospitalet, Copenhagen University Hospital
Classification: Benign. Last evaluated: 2025-03-04. Review status: criteria provided, single submitter. Criteria: ACMG Guidelines, 2015. Collection method: clinical testing. Allele origin: germline.

Unidad de Genómica Garrahan, Hospital de Pediatría Garrahan
Classification: Benign. Last evaluated: 2024-01-24. Review status: criteria provided, single submitter. Criteria: ACMG Guidelines, 2015. Collection method: clinical testing. Allele origin: germline. Affected: no. Observed: 68 variant alleles.
Comment: This variant is classified as Benign based on local population frequency. This variant was detected in 72% of patients studied by a panel of primary immunodeficiencies. Number of patients: 68. Only high quality variants are reported.

Breakthrough Genomics
Classification: Benign. Review status: criteria provided, single submitter. Criteria: ACMG Guidelines, 2015. Collection method: not provided. Allele origin: germline. Inheritance: Unknown mechanism. Affected: yes.